The following is an entry in ClinVar:

ClinVar aggregate classification (germline): Uncertain significance (1 of 4 stars; one submission).

Submission:

Labcorp Genetics (formerly Invitae), Labcorp
Classification: Uncertain significance. Last evaluated: 2024-08-28. Review status: criteria provided, single submitter. Criteria: Invitae Variant Classification Sherloc (09022015). Collection method: clinical testing. Allele origin: germline.
Comment: This sequence change replaces glycine, which is neutral and non-polar, with valine, which is neutral and non-polar, at codon 493 of the ALPK3 protein (p.Gly493Val). This variant is not present in population databases (gnomAD no frequency). This variant has not been reported in the literature in individuals affected with ALPK3-related conditions. An algorithm developed to predict the effect of missense changes on protein structure and function (PolyPhen-2) suggests that this variant is likely to be disruptive. In summary, the available evidence is currently insufficient to determine the role of this variant in disease. Therefore, it has been classified as a Variant of Uncertain Significance.

NM_020778.5(ALPK3):c.872G>T (p.Gly291Val)

Gene: ALPK3 (alpha kinase 3; plus strand). Cytogenetic location: 15q25.3.
Variant type: single nucleotide variant.
Coding change: c.872G>T on transcript NM_020778.5 (MANE Select); coding-DNA position 872, G replaced by T.
Protein change: p.Gly291Val; replaces glycine 291 with valine.
Molecular consequence: missense variant.
Genome position (GRCh38, 1-based): chr15:84,840,151, G>T. VCF-style: chr15-84840151-G-T. GRCh37 (hg19) VCF-style: chr15-85383382-G-T.
Other names: short protein forms G291V.
Identifiers: ClinVar variation 3676406 (VCV003676406.2).